The following is an entry in ClinVar:

ClinVar aggregate classification (germline): Uncertain significance. Review status: criteria provided, multiple submitters, no conflicts (2 of 4 stars). 2 submissions from 2 submitters: Uncertain significance (2). Last evaluated 2025-05-19.

Conditions:
Cardiovascular phenotype. Identifiers: MedGen CN230736.
Dilated cardiomyopathy 1JJ (CMD1JJ). Identifiers: Orphanet 154, MedGen C3808935, MONDO:0014095, OMIM 615235.

Allele frequency attached by ClinVar (database versions not stated): gnomAD exomes below 0.00001.
gnomAD v4.1: 3 of 1,612,294 alleles (0.00019%); highest among the groups gnomAD compares: Middle Eastern, 0.016%; no homozygotes.

Submissions (2):

Labcorp Genetics (formerly Invitae), Labcorp
Classification: Uncertain significance for Dilated cardiomyopathy 1JJ. Last evaluated: 2025-05-19. Review status: criteria provided, single submitter. Criteria: Invitae Variant Classification Sherloc (09022015). Collection method: clinical testing. Allele origin: germline.
Comment: This sequence change replaces serine, which is neutral and polar, with proline, which is neutral and non-polar, at codon 95 of the LAMA4 protein (p.Ser95Pro). This variant is present in population databases (no rsID available, gnomAD 0.0009%). This variant has not been reported in the literature in individuals affected with LAMA4-related conditions. ClinVar contains an entry for this variant (Variation ID: 1796709). Invitae Evidence Modeling of protein sequence and biophysical properties (such as structural, functional, and spatial information, amino acid conservation, physicochemical variation, residue mobility, and thermodynamic stability) indicates that this missense variant is expected to disrupt LAMA4 protein function with a positive predictive value of 80%. In summary, the available evidence is currently insufficient to determine the role of this variant in disease. Therefore, it has been classified as a Variant of Uncertain Significance.

Ambry Genetics
Classification: Uncertain significance for Cardiovascular phenotype. Last evaluated: 2021-12-24. Review status: criteria provided, single submitter. Criteria: Ambry Variant Classification Scheme 2023. Collection method: clinical testing. Allele origin: germline.
Comment: The p.S95P variant (also known as c.283T>C), located in coding exon 2 of the LAMA4 gene, results from a T to C substitution at nucleotide position 283. The serine at codon 95 is replaced by proline, an amino acid with similar properties. This amino acid position is conserved. In addition, this alteration is predicted to be deleterious by in silico analysis. Since supporting evidence is limited at this time, the clinical significance of this alteration remains unclear.

NM_001105206.3(LAMA4):c.283T>C (p.Ser95Pro)

Gene: LAMA4 (laminin subunit alpha 4; minus strand). Cytogenetic location: 6q21.
Variant type: single nucleotide variant.
Coding change: c.283T>C on transcript NM_001105206.3 (MANE Select); coding-DNA position 283, T replaced by C.
Protein change: p.Ser95Pro; replaces serine 95 with proline.
Molecular consequence: missense variant.
Genome position (GRCh38, 1-based): chr6:112,216,382, A>G on the plus strand (T>C on the coding strand, the complement: LAMA4 is on the minus strand). VCF-style: chr6-112216382-A-G. GRCh37 (hg19) VCF-style: chr6-112537583-A-G.
Other names: c.283T>C, p.Ser95Pro (NM_001105207.3, NM_002290.5); short protein forms S95P.
Identifiers: ClinVar variation 1796709 (VCV001796709.3), dbSNP rs1554358671, ClinGen allele CA365518057.